The following is an entry in ClinVar:

NM_014251.3(SLC25A13):c.1750+2T>C

Gene: SLC25A13 (solute carrier family 25 member 13; minus strand). Cytogenetic location: 7q21.3.
Variant type: single nucleotide variant.
Coding change: c.1750+2T>C on transcript NM_014251.3 (MANE Select); the canonical splice donor site of the intron after coding-DNA position 1750, T replaced by C.
Molecular consequence: splice donor variant.
Genome position (GRCh38, 1-based): chr7:96,121,837, A>G on the plus strand (T>C on the coding strand, the complement: SLC25A13 is on the minus strand). VCF-style: chr7-96121837-A-G. GRCh37 (hg19) VCF-style: chr7-95751149-A-G.
Other names: c.1753+2T>C (NM_001160210.2).
Identifiers: ClinVar variation 2982272 (VCV002982272.3), dbSNP rs2485542562, ClinGen allele CA368257975.

ClinVar aggregate classification (germline): Likely pathogenic (1 of 4 stars; one submission).

Conditions:
Citrin deficiency. Identifiers: Orphanet 247582, MedGen C1997910, MONDO:0016602.

Submission:

Labcorp Genetics (formerly Invitae), Labcorp
Classification: Likely pathogenic for Citrin deficiency. Last evaluated: 2023-06-23. Review status: criteria provided, single submitter. Criteria: Invitae Variant Classification Sherloc (09022015). Collection method: clinical testing. Allele origin: germline.
Comment: In summary, the currently available evidence indicates that the variant is pathogenic, but additional data are needed to prove that conclusively. Therefore, this variant has been classified as Likely Pathogenic. Algorithms developed to predict the effect of sequence changes on RNA splicing suggest that this variant may disrupt the consensus splice site. Disruption of this splice site has been observed in individual(s) with citrin deficiency (PMID: 31845334). This variant is not present in population databases (gnomAD no frequency). This sequence change affects a donor splice site in intron 16 of the SLC25A13 gene. It is expected to disrupt RNA splicing. Variants that disrupt the donor or acceptor splice site typically lead to a loss of protein function (PMID: 16199547), and loss-of-function variants in SLC25A13 are known to be pathogenic (PMID: 10369257, 14680984, 27405544).

Literature cited by the submitters: PubMed 31845334; PubMed 16199547; PubMed 10369257; PubMed 14680984; PubMed 27405544.